The following is an entry in ClinVar:

NM_198578.4(LRRK2):c.6024T>A (p.Asn2008Lys)

Gene: LRRK2 (leucine rich repeat kinase 2; plus strand). Cytogenetic location: 12q12.
Variant type: single nucleotide variant.
Coding change: c.6024T>A on transcript NM_198578.4 (MANE Select); coding-DNA position 6024, T replaced by A.
Protein change: p.Asn2008Lys; replaces asparagine 2008 with lysine.
Molecular consequence: missense variant.
Genome position (GRCh38, 1-based): chr12:40,340,369, T>A. VCF-style: chr12-40340369-T-A. GRCh37 (hg19) VCF-style: chr12-40734171-T-A.
Other names: short protein forms N2008K.
Identifiers: ClinVar variation 1751143 (VCV001751143.2), dbSNP rs2499948071, ClinGen allele CA384403822.

ClinVar aggregate classification (germline): Uncertain significance (1 of 4 stars; one submission).

Conditions:
Inborn genetic diseases. Identifiers: MedGen C0950123, MeSH D030342.

Allele frequency attached by ClinVar (database versions not stated): gnomAD exomes below 0.00001.
gnomAD v4.1: 2 of 1,613,918 alleles (0.00012%); highest among the groups gnomAD compares: Non-Finnish European, 0.00017%; no homozygotes.

Submission:

Ambry Genetics
Classification: Uncertain significance for Inborn genetic diseases. Last evaluated: 2022-04-24. Review status: criteria provided, single submitter. Criteria: Ambry Variant Classification Scheme 2023. Collection method: clinical testing. Allele origin: germline.
Comment: The p.N2008K variant (also known as c.6024T>A), located in coding exon 41 of the LRRK2 gene, results from a T to A substitution at nucleotide position 6024. The asparagine at codon 2008 is replaced by lysine, an amino acid with similar properties. This amino acid position is conserved. In addition, the in silico prediction for this alteration is inconclusive. Since supporting evidence is limited at this time, the clinical significance of this alteration remains unclear.